The following is an entry in ClinVar:

NM_001378452.1(ITPR1):c.692A>T (p.Asp231Val)

Gene: ITPR1 (inositol 1,4,5-trisphosphate receptor type 1; plus strand). Cytogenetic location: 3p26.1.
Variant type: single nucleotide variant.
Coding change: c.692A>T on transcript NM_001378452.1 (MANE Select); coding-DNA position 692, A replaced by T.
Protein change: p.Asp231Val; replaces aspartic acid 231 with valine.
Molecular consequence: missense variant.
Genome position (GRCh38, 1-based): chr3:4,645,454, A>T. VCF-style: chr3-4645454-A-T. GRCh37 (hg19) VCF-style: chr3-4687138-A-T.
Other names: c.692A>T, p.Asp231Val (NM_001099952.4, NM_001168272.2, NM_002222.7); c.692A>T (NM_002222.5); short protein forms D231V.
Identifiers: ClinVar variation 2582314 (VCV002582314.2), dbSNP rs1389658278, ClinGen allele CA351636315.

ClinVar aggregate classification (germline): Uncertain significance. Review status: criteria provided, multiple submitters, no conflicts (2 of 4 stars). 2 submissions from 2 submitters: Uncertain significance (2). Last evaluated 2023-03-21.

Conditions:
ITPR1-related disorder. Also called: ITPR1-related condition.
Gillespie syndrome (GLSP). Also called: Aniridia-cerebellar ataxia-intellectual disability syndrome; Aniridia, cerebellar ataxia, and mental deficiency. Identifiers: Orphanet 1065, MedGen C0431401, MONDO:0008795, OMIM 206700.

Allele frequency attached by ClinVar (database versions not stated): gnomAD 0.00001; gnomAD exomes 0.00001; TOPMed 0.00001.
gnomAD v4.1: 5 of 1,612,916 alleles (0.00031%); highest among the groups gnomAD compares: Non-Finnish European, 0.00042%; no homozygotes.

Submissions (2):

PreventionGenetics, part of Exact Sciences
Classification: Uncertain significance for ITPR1-related condition. Last evaluated: 2023-03-21. Review status: criteria provided, single submitter. Criteria: ACMG Guidelines, 2015. Collection method: clinical testing. Allele origin: germline.
Comment: The ITPR1 c.692A>T variant is predicted to result in the amino acid substitution p.Asp231Val. To our knowledge, this variant has not been reported in the literature or in a large population database, indicating this variant is rare. At this time, the clinical significance of this variant is uncertain due to the absence of conclusive functional and genetic evidence.

Baylor Genetics
Classification: Uncertain significance for Gillespie syndrome. Last evaluated: 2023-03-01. Review status: criteria provided, single submitter. Criteria: ACMG Guidelines, 2015. Collection method: clinical testing. Allele origin: unknown.